The following is an entry in ClinVar:

ClinVar aggregate classification (germline): Uncertain significance (1 of 4 stars; one submission).

Conditions:
Hereditary cancer-predisposing syndrome. Also called: Neoplastic Syndromes, Hereditary; Tumor predisposition; Hereditary Cancer Syndrome; Hereditary neoplastic syndrome. Identifiers: Orphanet 140162, MedGen C0027672, MeSH D009386, MONDO:0015356.
Familial thoracic aortic aneurysm and aortic dissection (TAAD). Also called: Thoracic aortic aneurysms and dissections. Identifiers: Orphanet 91387, MedGen C4707243, MONDO:0019625.

Submission:

Ambry Genetics
Classification: Uncertain significance for Hereditary cancer-predisposing syndrome; Familial thoracic aortic aneurysm and aortic dissection. Last evaluated: 2026-04-23. Review status: criteria provided, single submitter. Criteria: Ambry Variant Classification Scheme 2023. Collection method: clinical testing. Allele origin: germline.
Comment: The p.V335G variant (also known as c.1004T>G), located in coding exon 8 of the SMAD4 gene, results from a T to G substitution at nucleotide position 1004. The valine at codon 335 is replaced by glycine, an amino acid with dissimilar properties. This amino acid position is highly conserved in available vertebrate species. In addition, this alteration is predicted to be deleterious by in silico analysis. Based on the available evidence, the clinical significance of this variant remains unclear.

NM_005359.6(SMAD4):c.1004T>G (p.Val335Gly)

Gene: SMAD4 (SMAD family member 4; plus strand). Cytogenetic location: 18q21.2.
Variant type: single nucleotide variant.
Coding change: c.1004T>G on transcript NM_005359.6 (MANE Select); coding-DNA position 1004, T replaced by G.
Protein change: p.Val335Gly; replaces valine 335 with glycine.
Molecular consequence: missense variant.
Genome position (GRCh38, 1-based): chr18:51,065,471, T>G. VCF-style: chr18-51065471-T-G. GRCh37 (hg19) VCF-style: chr18-48591841-T-G.
Other names: c.1004T>G, p.Val335Gly (NM_001407041.1, NM_001407042.1, NM_001407043.1); short protein forms V335G.
Identifiers: ClinVar variation 1779536 (VCV001779536.3), dbSNP rs2144446672, ClinGen allele CA402464188.